The following is an entry in ClinVar:

NM_001035.3(RYR2):c.6349A>G (p.Ile2117Val)

Gene: RYR2 (ryanodine receptor 2; plus strand). Cytogenetic location: 1q43.
Variant type: single nucleotide variant.
Coding change: c.6349A>G on transcript NM_001035.3 (MANE Select); coding-DNA position 6349, A replaced by G.
Protein change: p.Ile2117Val; replaces isoleucine 2117 with valine.
Molecular consequence: missense variant.
Genome position (GRCh38, 1-based): chr1:237,627,989, A>G. VCF-style: chr1-237627989-A-G. GRCh37 (hg19) VCF-style: chr1-237791289-A-G.
Other names: c.6349A>G (NM_001035.2); short protein forms I2117V.
Identifiers: ClinVar variation 2829105 (VCV002829105.5), dbSNP rs1030383955, ClinGen allele CA39839686.

ClinVar aggregate classification (germline): Uncertain significance. Review status: criteria provided, multiple submitters, no conflicts (2 of 4 stars). 3 submissions from 3 submitters: Uncertain significance (3). Last evaluated 2026-05-23.

Conditions:
Cardiovascular phenotype. Identifiers: MedGen CN230736.
Catecholaminergic polymorphic ventricular tachycardia 1. Also called: VENTRICULAR TACHYCARDIA, STRESS-INDUCED POLYMORPHIC 1; VENTRICULAR TACHYCARDIA, CATECHOLAMINERGIC POLYMORPHIC, 1, WITH OR WITHOUT ATRIAL DYSFUNCTION AND/OR DILATED CARDIOMYOPATHY; RYR2-Related Catecholaminergic Polymorphic Ventricular Tachycardia. Identifiers: Orphanet 3286, MedGen C1631597, MONDO:0011484, OMIM 604772.
Cardiomyopathy (CMYO). Also called: Cardiomyopathies. Identifiers: Orphanet 167848, MedGen C0878544, MONDO:0004994, HP:0001638. Inheritance: Various modes of inheritance.

Submissions (3):

Ambry Genetics
Classification: Uncertain significance for Cardiovascular phenotype. Last evaluated: 2026-05-23. Review status: criteria provided, single submitter. Criteria: Ambry Variant Classification Scheme 2023. Collection method: clinical testing. Allele origin: germline.
Comment: The p.I2117V variant (also known as c.6349A>G), located in coding exon 41 of the RYR2 gene, results from an A to G substitution at nucleotide position 6349. The isoleucine at codon 2117 is replaced by valine, an amino acid with highly similar properties. This amino acid position is conserved. In addition, the in silico prediction for this alteration is inconclusive. Based on the available evidence, the clinical significance of this variant remains unclear.

Labcorp Genetics (formerly Invitae), Labcorp
Classification: Uncertain significance for Catecholaminergic polymorphic ventricular tachycardia 1. Last evaluated: 2025-12-08. Review status: criteria provided, single submitter. Criteria: Invitae Variant Classification Sherloc (09022015). Collection method: clinical testing. Allele origin: germline.
Comment: This sequence change replaces isoleucine, which is neutral and non-polar, with valine, which is neutral and non-polar, at codon 2117 of the RYR2 protein (p.Ile2117Val). This variant is not present in population databases (gnomAD no frequency). This variant has not been reported in the literature in individuals affected with RYR2-related conditions. ClinVar contains an entry for this variant (Variation ID: 2829105). Invitae Evidence Modeling of protein sequence and biophysical properties (such as structural, functional, and spatial information, amino acid conservation, physicochemical variation, residue mobility, and thermodynamic stability) indicates that this missense variant is not expected to disrupt RYR2 protein function with a negative predictive value of 95%. In summary, the available evidence is currently insufficient to determine the role of this variant in disease. Therefore, it has been classified as a Variant of Uncertain Significance.

Color Diagnostics, LLC DBA Color Health
Classification: Uncertain significance for Cardiomyopathy. Last evaluated: 2025-06-30. Review status: criteria provided, single submitter. Criteria: ACMG Guidelines, 2015. Collection method: clinical testing. Allele origin: germline.
Comment: This missense variant replaces isoleucine with valine at codon 2117 of the RYR2 protein. Computational prediction suggests that this variant may not impact protein structure and function. To our knowledge, functional studies have not been reported for this variant. This variant has not been reported in individuals affected with RYR2-related disorders in the literature. This variant has not been identified in the general population by the Genome Aggregation Database (gnomAD). The available evidence is insufficient to determine the role of this variant in disease conclusively. Therefore, this variant is classified as a Variant of Uncertain Significance.